The following is an entry in ClinVar:

NM_002226.5(JAG2):c.2249-21CTC[3]

Gene: JAG2 (jagged canonical Notch ligand 2; minus strand). Cytogenetic location: 14q32.33.
Variant type: Microsatellite.
Coding change: c.2249-21CTC[3] on transcript NM_002226.5 (MANE Select); three copies in a row of the 3-base unit CTC starting at c.2249-21; the reference has four copies in a row; one copy, 3 bases deleted.
Molecular consequence: intron variant.
Genome position (GRCh38, 1-based): chr14:105,147,898-105,147,900, GAG deleted on the plus strand (CTC on the coding strand, the reverse complement: JAG2 is on the minus strand); deleting any 3 consecutive bases within chr14:105,147,898-105,147,910 gives the same sequence; the position shown is the placement nearest the transcript's 3' end. VCF-style (leftmost placement, unchanged base first): chr14-105147897-AGAG-A. GRCh37 (hg19) VCF-style: chr14-105614234-AGAG-A.
Other names: c.2135-21CTC[3] (NM_145159.3).
Identifiers: ClinVar variation 3043282 (VCV003043282.2), dbSNP rs771756193, ClinGen allele CA7385668.
Genomic context (GRCh38, chr14:105,147,897, plus strand): 5'-ACGCAGGTGCCACCATTCACACAGGGGTTGGGCAGGCAGCTGCTGTTCTTGGCTGTAAGG[AGAG>A]GAGGAGGAGGGAGCGTCTCACCTGGCCCTGGGCTGGCCCTGGGTCTCCATACCGCGCCCC-3'

ClinVar aggregate classification (germline): Likely benign (0 of 4 stars; one submission).

Conditions:
JAG2-related disorder. Also called: JAG2-related condition.

Submission:

PreventionGenetics, part of Exact Sciences
Classification: Likely benign for JAG2-related condition. Last evaluated: 2019-06-25. Review status: no assertion criteria provided. Collection method: clinical testing. Allele origin: germline.
Comment: This variant is classified as likely benign based on ACMG/AMP sequence variant interpretation guidelines (Richards et al. 2015 PMID: 25741868, with internal and published modifications).